The following is an entry in ClinVar:

ClinVar aggregate classification (germline): Uncertain significance. Review status: criteria provided, multiple submitters, no conflicts (2 of 4 stars). 2 submissions from 2 submitters: Uncertain significance (2). Last evaluated 2026-07-06.

Conditions:
Hereditary cancer-predisposing syndrome. Also called: Hereditary Cancer Syndrome; Hereditary neoplastic syndrome; Neoplastic Syndromes, Hereditary; Tumor predisposition. Identifiers: Orphanet 140162, MedGen C0027672, MeSH D009386, MONDO:0015356.
Gorlin syndrome. Also called: Nevoid Basal Cell Carcinoma Syndrome; Basal cell nevus syndrome. Identifiers: Orphanet 377, MedGen C0004779, MONDO:0007187.
Medulloblastoma (MDB). Also called: Medulloblastoma, somatic; MEDULLOBLASTOMA PREDISPOSITION SYNDROME. Identifiers: Orphanet 616, MedGen C0025149, MeSH D008527, MONDO:0007959, OMIM 155255, HP:0002885.

Submissions (2):

Ambry Genetics
Classification: Uncertain significance for Hereditary cancer-predisposing syndrome. Last evaluated: 2026-07-06. Review status: criteria provided, single submitter. Criteria: Ambry Variant Classification Scheme 2023. Collection method: clinical testing. Allele origin: germline.
Comment: The p.P20L variant (also known as c.59C>T), located in coding exon 1 of the SUFU gene, results from a C to T substitution at nucleotide position 59. The proline at codon 20 is replaced by leucine, an amino acid with similar properties. This amino acid position is conserved. In addition, the in silico prediction for this alteration is inconclusive. Based on the available evidence, the clinical significance of this variant remains unclear.

Labcorp Genetics (formerly Invitae), Labcorp
Classification: Uncertain significance for Gorlin syndrome; Medulloblastoma. Last evaluated: 2023-07-12. Review status: criteria provided, single submitter. Criteria: Invitae Variant Classification Sherloc (09022015). Collection method: clinical testing. Allele origin: germline.
Comment: In summary, the available evidence is currently insufficient to determine the role of this variant in disease. Therefore, it has been classified as a Variant of Uncertain Significance. This sequence change replaces proline, which is neutral and non-polar, with leucine, which is neutral and non-polar, at codon 20 of the SUFU protein (p.Pro20Leu). This variant is not present in population databases (gnomAD no frequency). This variant has not been reported in the literature in individuals affected with SUFU-related conditions. An algorithm developed to predict the effect of missense changes on protein structure and function (PolyPhen-2) suggests that this variant is likely to be disruptive.

NM_016169.4(SUFU):c.59C>T (p.Pro20Leu)

Genes: SUFU (SUFU negative regulator of hedgehog signaling; plus strand), LOC130004614 (ATAC-STARR-seq lymphoblastoid silent region 2764; plus strand). Cytogenetic location: 10q24.32.
Variant type: single nucleotide variant.
Coding change: c.59C>T on transcript NM_016169.4 (MANE Select); coding-DNA position 59, C replaced by T.
Protein change: p.Pro20Leu; replaces proline 20 with leucine.
Molecular consequence: missense variant.
Genome position (GRCh38, 1-based): chr10:102,504,211, C>T. VCF-style: chr10-102504211-C-T. GRCh37 (hg19) VCF-style: chr10-104263968-C-T.
Other names: c.59C>T, p.Pro20Leu (NM_001178133.2); short protein forms P20L.
Identifiers: ClinVar variation 2922644 (VCV002922644.4), dbSNP rs2544830551, ClinGen allele CA377886296.